The following is an entry in ClinVar:

NM_000064.4(C3):c.3511A>C (p.Lys1171Gln)

Gene: C3 (complement C3; minus strand). Cytogenetic location: 19p13.3.
Variant type: single nucleotide variant.
Coding change: c.3511A>C on transcript NM_000064.4 (MANE Select); coding-DNA position 3511, A replaced by C.
Protein change: p.Lys1171Gln; replaces lysine 1171 with glutamine.
Molecular consequence: missense variant.
Genome position (GRCh38, 1-based): chr19:6,686,881, T>G on the plus strand (A>C on the coding strand, the complement: C3 is on the minus strand). VCF-style: chr19-6686881-T-G. GRCh37 (hg19) VCF-style: chr19-6686892-T-G.
Other names: short protein forms K1171Q.
Identifiers: ClinVar variation 4280215 (VCV004280215.1).

ClinVar aggregate classification (germline): Uncertain significance (1 of 4 stars; one submission).

Conditions:
Complement component 3 deficiency. Identifiers: Orphanet 280133, MedGen C3151071, MONDO:0013417, OMIM 613779.
C3 glomerulonephritis. Also called: Nephropathy due to CFHR5 Deficiency; C3 GLOMERULOPATHY 3. Identifiers: Orphanet 329931, MedGen C4055342, MONDO:0013892, OMIM 614809.
Atypical hemolytic-uremic syndrome. Identifiers: Orphanet 2134, MedGen C2931788, MONDO:0016244.

Submission:

Genomenon, Inc
Classification: Uncertain significance for Complement component 3 deficiency; C3 glomerulonephritis; Atypical hemolytic-uremic syndrome. Last evaluated: 2025-09-30. Review status: criteria provided, single submitter. Criteria: Genomenon Sequence Variant Interpretation Standards. Collection method: curation. Allele origin: germline. Affected: no.
Comment: C3 p.Lys1171Gln (c.3511A>C) is a missense variant that changes the amino acid at residue 1171 from Lysine to Glutamine. This variant has been reported in the published literature (PMID:27814381). It is absent or not present at a significant frequency in gnomAD. In silico models agree that this variant is not damaging. In conclusion, we classify C3 p.Lys1171Gln (c.3511A>C) as a variant of unknown significance.

Literature cited by the submitters: PubMed 27814381.